The following is an entry in ClinVar:

NM_201596.3(CACNB2):c.881A>G (p.Tyr294Cys)

Gene: CACNB2 (calcium voltage-gated channel auxiliary subunit beta 2; plus strand). Cytogenetic location: 10p12.31.
Variant type: single nucleotide variant.
Coding change: c.881A>G on transcript NM_201596.3 (MANE Select); coding-DNA position 881, A replaced by G.
Protein change: p.Tyr294Cys; replaces tyrosine 294 with cysteine.
Molecular consequence: missense variant.
Genome position (GRCh38, 1-based): chr10:18,518,412, A>G. VCF-style: chr10-18518412-A-G. GRCh37 (hg19) VCF-style: chr10-18807341-A-G.
Other names: c.716A>G, p.Tyr239Cys (NM_000724.4); c.683A>G, p.Tyr228Cys (NM_001167945.2); c.602A>G, p.Tyr201Cys (NM_001330060.2); c.737A>G, p.Tyr246Cys (NM_201570.3); c.797A>G, p.Tyr266Cys (NM_201571.4); c.725A>G, p.Tyr242Cys (NM_201572.4); c.719A>G, p.Tyr240Cys (NM_201590.3); c.767A>G, p.Tyr256Cys (NM_201593.3); and 1 more; short protein forms Y201C, Y228C, Y239C, Y240C, Y242C, Y246C, Y256C, Y266C.
Identifiers: ClinVar variation 1677657 (VCV001677657.2), dbSNP rs747533913, ClinGen allele CA5429801.
Genomic context (GRCh38, chr10:18,518,412, plus strand): 5'-CGTATGATGTGGTACCTTCCATGCGACCAGTGGTCCTAGTGGGCCCTTCTCTGAAGGGCT[A>G]CGAGGTGGGTAGCAGCCTTCCACAGGAAGCTTAACTTGCATGCTGAACTTCTTTGTGATG-3'
Protein context (NP_963890.2, residues 284-304): VVLVGPSLKG[Tyr294Cys]EVTDMMQKAL

ClinVar aggregate classification (germline): Uncertain significance. Review status: criteria provided, multiple submitters, no conflicts (2 of 4 stars). 2 submissions from 2 submitters: Uncertain significance (2). Last evaluated 2025-10-17.

Conditions:
Brugada syndrome 4 (BRGDA4). Identifiers: Orphanet 130, MedGen C2678477, MONDO:0012743, OMIM 611876.

Allele frequency attached by ClinVar (database versions not stated): gnomAD exomes 0.00002; ExAC 0.00004.
gnomAD v4.1: 9 of 1,601,990 alleles (0.00056%); highest among the groups gnomAD compares: Non-Finnish European, 0.00077%; no homozygotes.

Submissions (2):

Labcorp Genetics (formerly Invitae), Labcorp
Classification: Uncertain significance for Brugada syndrome 4. Last evaluated: 2025-10-17. Review status: criteria provided, single submitter. Criteria: Invitae Variant Classification Sherloc (09022015). Collection method: clinical testing. Allele origin: germline.
Comment: This sequence change replaces tyrosine, which is neutral and polar, with cysteine, which is neutral and slightly polar, at codon 240 of the CACNB2 protein (p.Tyr240Cys). This variant is present in population databases (rs747533913, gnomAD 0.004%). This variant has not been reported in the literature in individuals affected with CACNB2-related conditions. ClinVar contains an entry for this variant (Variation ID: 1677657). Invitae Evidence Modeling of protein sequence and biophysical properties (such as structural, functional, and spatial information, amino acid conservation, physicochemical variation, residue mobility, and thermodynamic stability) indicates that this missense variant is expected to disrupt CACNB2 protein function with a positive predictive value of 80%. In summary, the available evidence is currently insufficient to determine the role of this variant in disease. Therefore, it has been classified as a Variant of Uncertain Significance.

AiLife Diagnostics
Classification: Uncertain significance. Last evaluated: 2021-11-20. Review status: criteria provided, single submitter. Criteria: ACMG Guidelines, 2015. Collection method: clinical testing. Allele origin: germline. Affected: yes. Observed: 1 variant allele.